The following is an entry in ClinVar:

NM_001830.4(CLCN4):c.1695A>G (p.Ala565=)

Gene: CLCN4 (Cl-/H+ antiporter 4; plus strand). Cytogenetic location: Xp22.2.
Variant type: single nucleotide variant.
Coding change: c.1695A>G on transcript NM_001830.4 (MANE Select); coding-DNA position 1695, A replaced by G.
Protein change: p.Ala565=; no amino-acid change (alanine 565 retained).
Molecular consequence: synonymous variant.
Genome position (GRCh38, 1-based): chrX:10,213,799, A>G. VCF-style: chrX-10213799-A-G. GRCh37 (hg19) VCF-style: chrX-10181839-A-G.
Other names: c.1413A>G, p.Ala471= (NM_001256944.2).
Identifiers: ClinVar variation 703608 (VCV000703608.36), dbSNP rs776788910, ClinGen allele CA10347285.

ClinVar aggregate classification (germline): Benign. Review status: criteria provided, multiple submitters, no conflicts (2 of 4 stars). 2 submissions from 2 submitters: Benign (2). Last evaluated 2026-02-01.

Allele frequency attached by ClinVar (database versions not stated): gnomAD below 0.00001 and 0.00008; TOPMed 0.00001; gnomAD exomes 0.00008 and 0.00017; ExAC 0.00019; 1000 Genomes Project 0.00053; 1000 Genomes Project 30x 0.00062.
gnomAD v4.1: 104 of 1,210,386 alleles (0.0086%); highest among the groups gnomAD compares: South Asian, 0.15%; 1 homozygote.

Submissions (2):

CeGaT Center for Human Genetics Tuebingen
Classification: Benign. Last evaluated: 2026-02-01. Review status: criteria provided, single submitter. Criteria: CeGaT Center For Human Genetics Tuebingen Variant Classification Criteria Version 2. Collection method: clinical testing. Allele origin: germline. Affected: yes. Observed: 2 variant alleles.
Comment: CLCN4: BP4, BP7, BS1, BS2

Labcorp Genetics (formerly Invitae), Labcorp
Classification: Benign. Last evaluated: 2025-12-13. Review status: criteria provided, single submitter. Criteria: Invitae Variant Classification Sherloc (09022015). Collection method: clinical testing. Allele origin: germline.